The following is an entry in ClinVar:

NC_000016.10:g.(?_89737551)_(89814614_89815876)del

Genes: FANCA (FA complementation group A; minus strand), ZNF276 (zinc finger protein 276; plus strand). Cytogenetic location: 16q24.3.
Variant type: Deletion.
Identifiers: ClinVar variation 973984 (VCV000973984.1).

ClinVar aggregate classification (germline): Pathogenic (0 of 4 stars; one submission).

Conditions:
Fanconi anemia complementation group A (FANCA). Also called: Fanconi anemia, group A; FANCA-Related Fanconi Anemia. Identifiers: Orphanet 84, MedGen C3469521, MONDO:0009215, OMIM 227650.

Submission:

Leiden Open Variation Database
Classification: Pathogenic for Fanconi anemia complementation group A. Last evaluated: 2020-02-28. Review status: no assertion criteria provided. Collection method: curation. Allele origin: germline. Affected: yes.
Comment: Curator: Arleen D. Auerbach. Submitter to LOVD: Arleen D. Auerbach.

Literature cited by the submitters: PubMed 15523645.